The following is an entry in ClinVar:

NM_005529.7(HSPG2):c.10110G>A (p.Lys3370=)

Gene: HSPG2 (heparan sulfate proteoglycan 2; minus strand). Cytogenetic location: 1p36.12.
Variant type: single nucleotide variant.
Coding change: c.10110G>A on transcript NM_005529.7 (MANE Select); coding-DNA position 10110, G replaced by A.
Protein change: p.Lys3370=; no amino-acid change (lysine 3370 retained).
Molecular consequence: synonymous variant.
Genome position (GRCh38, 1-based): chr1:21,838,865, C>T on the plus strand (G>A on the coding strand, the complement: HSPG2 is on the minus strand). VCF-style: chr1-21838865-C-T. GRCh37 (hg19) VCF-style: chr1-22165358-C-T.
Other names: c.10113G>A, p.Lys3371= (NM_001291860.2).
Identifiers: ClinVar variation 295746 (VCV000295746.52), dbSNP rs141963344, ClinGen allele CA670226.
Genomic context (GRCh38, chr1:21,838,865, plus strand): 5'-GCAGAGCCGGGGCTGCTTACCTTGGACGAGCAGCTGGGCAAAGGCCTCGGCTGAGCCCAC[C>T]TTGTTGGTGACCCGGCAGCGGTAGCGGCCTGAGTCCTCAGGGGCTGCACGCTCAAAGTGC-3'
Protein context (NP_005520.4, residues 3360-3380): SGRYRCRVTN[Lys3370=]VGSAEAFAQL

ClinVar aggregate classification (germline): Benign/Likely benign. Review status: criteria provided, multiple submitters, no conflicts (2 of 4 stars). 8 submissions from 7 submitters: Benign (1); Likely benign (6). 1 of the submissions does not count toward it. Last evaluated 2026-07-01.

Conditions:
Connective tissue disorder. Also called: Connective tissue disease. Identifiers: MedGen C0009782, MONDO:0003900.
Lethal Kniest-like syndrome (DDSH). Also called: Dyssegmental Dysplasia. Identifiers: Orphanet 1865, MedGen C1857100, MONDO:0009140, OMIM 224410.
Schwartz-Jampel syndrome. Also called: Myotonic myopathy dwarfism chondrodystrophy and ocular and facial abnormalities. Identifiers: Orphanet 800, MedGen C0036391, MONDO:0009717.
HSPG2-related disorder. Also called: HSPG2-related condition; HSPG2-related disorders.

Allele frequency attached by ClinVar (database versions not stated): 1000 Genomes Project 0.00100; 1000 Genomes Project 30x 0.00125; TOPMed 0.00146; ESP Exome Variant Server 0.00169; gnomAD 0.00224 and 0.00237.
gnomAD v4.1: 3,646 of 1,612,726 alleles (0.23%); highest among the groups gnomAD compares: Non-Finnish European, 0.23%; 9 homozygotes.

Submissions (8):

CeGaT Center for Human Genetics Tuebingen
Classification: Likely benign. Last evaluated: 2026-07-01. Review status: criteria provided, single submitter. Criteria: CeGaT Center For Human Genetics Tuebingen Variant Classification Criteria Version 2. Collection method: clinical testing. Allele origin: germline. Affected: yes. Observed: 6 variant alleles.
Comment: HSPG2: BP4, BP7

Labcorp Genetics (formerly Invitae), Labcorp
Classification: Benign. Last evaluated: 2026-01-20. Review status: criteria provided, single submitter. Criteria: Invitae Variant Classification Sherloc (09022015). Collection method: clinical testing. Allele origin: germline.

Blueprint Genetics
Classification: Likely benign. Last evaluated: 2024-11-21. Review status: criteria provided, single submitter. Criteria: ACMG Guidelines, 2015. Collection method: clinical testing. Allele origin: germline.

ARUP Laboratories, Molecular Genetics and Genomics, ARUP Laboratories
Classification: Likely benign. Last evaluated: 2023-04-27. Review status: criteria provided, single submitter. Criteria: ARUP Molecular Germline Variant Investigation Process 2024. Collection method: clinical testing. Allele origin: germline.

Genome Diagnostics Laboratory, The Hospital for Sick Children
Classification: Likely benign for Connective tissue disorder. Last evaluated: 2020-03-01. Review status: criteria provided, single submitter. Criteria: ACMG Guidelines, 2015. Collection method: clinical testing. Allele origin: germline.

Illumina Laboratory Services, Illumina
Classification: Likely benign for Lethal Kniest-like syndrome. Last evaluated: 2018-01-13. Review status: criteria provided, single submitter. Criteria: ICSL Variant Classification Criteria 13 December 2019. Collection method: clinical testing. Allele origin: germline.
Comment: This variant was observed in the ICSL laboratory as part of a predisposition screen in an ostensibly healthy population. It had not been previously curated by ICSL or reported in the Human Gene Mutation Database (HGMD: prior to June 1st, 2018), and was therefore a candidate for classification through an automated scoring system. Utilizing variant allele frequency, disease prevalence and penetrance estimates, and inheritance mode, an automated score was calculated to assess if this variant is too frequent to cause the disease. Based on the score and internal cut-off values, a variant classified as likely benign is not then subjected to further curation. The score for this variant resulted in a classification of likely benign for this disease.

Illumina Laboratory Services, Illumina
Classification: Likely benign for Schwartz-Jampel syndrome type 1. Last evaluated: 2018-01-13. Review status: criteria provided, single submitter. Criteria: ICSL Variant Classification Criteria 13 December 2019. Collection method: clinical testing. Allele origin: germline.
Comment: the same text as in the submission from Illumina Laboratory Services, Illumina above.

PreventionGenetics, part of Exact Sciences
Classification: Benign for HSPG2-related condition. Last evaluated: 2019-05-20. Review status: no assertion criteria provided. Collection method: clinical testing. Allele origin: germline. Not counted in ClinVar's aggregate classification.
Comment: This variant is classified as benign based on ACMG/AMP sequence variant interpretation guidelines (Richards et al. 2015 PMID: 25741868, with internal and published modifications).